The following is an entry in ClinVar:

ClinVar aggregate classification (germline): Uncertain significance. Review status: criteria provided, multiple submitters, no conflicts (2 of 4 stars). 2 submissions from 2 submitters: Uncertain significance (2). Last evaluated 2022-07-21.

Conditions:
Hereditary cancer-predisposing syndrome. Also called: Hereditary neoplastic syndrome; Neoplastic Syndromes, Hereditary; Tumor predisposition; Hereditary Cancer Syndrome. Identifiers: Orphanet 140162, MedGen C0027672, MeSH D009386, MONDO:0015356.

Submissions (2):

Ambry Genetics
Classification: Uncertain significance for Hereditary cancer-predisposing syndrome. Last evaluated: 2022-07-21. Review status: criteria provided, single submitter. Criteria: Ambry Variant Classification Scheme 2023. Collection method: clinical testing. Allele origin: germline.
Comment: The p.G1102E variant (also known as c.3305G>A), located in coding exon 22 of the ATM gene, results from a G to A substitution at nucleotide position 3305. The glycine at codon 1102 is replaced by glutamic acid, an amino acid with similar properties. This amino acid position is not well conserved in available vertebrate species. In addition, this alteration is predicted to be tolerated by in silico analysis. Since supporting evidence is limited at this time, the clinical significance of this alteration remains unclear.

GeneDx
Classification: Uncertain significance. Last evaluated: 2020-11-04. Review status: criteria provided, single submitter. Criteria: GeneDx Variant Classification Process June 2021. Collection method: clinical testing. Allele origin: germline. Affected: yes.
Comment: Not observed in large population cohorts (Lek 2016); In silico analysis supports that this missense variant does not alter protein structure/function; Has not been previously published as pathogenic or benign to our knowledge

NM_000051.4(ATM):c.3305G>A (p.Gly1102Glu)

Gene: ATM (ATM serine/threonine kinase; plus strand). Cytogenetic location: 11q22.3.
Variant type: single nucleotide variant.
Coding change: c.3305G>A on transcript NM_000051.4 (MANE Select); coding-DNA position 3305, G replaced by A.
Protein change: p.Gly1102Glu; replaces glycine 1102 with glutamic acid.
Molecular consequence: missense variant.
Genome position (GRCh38, 1-based): chr11:108,279,511, G>A. VCF-style: chr11-108279511-G-A. GRCh37 (hg19) VCF-style: chr11-108150238-G-A.
Other names: c.3305G>A, p.Gly1102Glu (NM_001351834.2); short protein forms G1102E.
Identifiers: ClinVar variation 1313661 (VCV001313661.4), dbSNP rs2135642803, ClinGen allele CA382517364.